The following is an entry in ClinVar:

ClinVar aggregate classification (germline): Benign/Likely benign. Review status: criteria provided, multiple submitters, no conflicts (2 of 4 stars). 3 submissions from 3 submitters: Benign (1); Likely benign (2). Last evaluated 2025-06-03.

Conditions:
Hereditary cancer-predisposing syndrome. Also called: Neoplastic Syndromes, Hereditary; Hereditary neoplastic syndrome; Hereditary Cancer Syndrome; Tumor predisposition. Identifiers: Orphanet 140162, MedGen C0027672, MeSH D009386, MONDO:0015356.
Tuberous sclerosis 2 (TSC2). Identifiers: Orphanet 805, MedGen C1860707, MONDO:0013199, OMIM 613254.

Submissions (3):

Myriad Genetics, Inc.
Classification: Benign for Tuberous sclerosis 2. Last evaluated: 2025-06-03. Review status: criteria provided, single submitter. Criteria: Myriad Autosomal Dominant, Autosomal Recessive and X-Linked Classification Criteria (2023). Collection method: clinical testing. Allele origin: unknown.
Comment: This variant is considered benign. This variant is a silent/synonymous amino acid change and it is not expected to impact splicing.

Labcorp Genetics (formerly Invitae), Labcorp
Classification: Likely benign for Tuberous sclerosis 2. Last evaluated: 2024-11-19. Review status: criteria provided, single submitter. Criteria: Invitae Variant Classification Sherloc (09022015). Collection method: clinical testing. Allele origin: germline.

Ambry Genetics
Classification: Likely benign for Hereditary cancer-predisposing syndrome. Last evaluated: 2020-06-24. Review status: criteria provided, single submitter. Criteria: Ambry Variant Classification Scheme 2023. Collection method: clinical testing. Allele origin: germline.

NM_000548.5(TSC2):c.4506G>C (p.Leu1502=)

Gene: TSC2 (TSC complex subunit 2; plus strand). Cytogenetic location: 16p13.3.
Variant type: single nucleotide variant.
Coding change: c.4506G>C on transcript NM_000548.5 (MANE Select); coding-DNA position 4506, G replaced by C.
Protein change: p.Leu1502=; no amino-acid change (leucine 1502 retained).
Molecular consequence: synonymous variant.
Genome position (GRCh38, 1-based): chr16:2,084,963, G>C. VCF-style: chr16-2084963-G-C. GRCh37 (hg19) VCF-style: chr16-2134964-G-C.
Other names: c.4305G>C, p.Leu1435= (NM_001077183.3); c.4437G>C, p.Leu1479= (NM_001114382.3); c.4197G>C, p.Leu1399= (NM_001318827.2); c.4161G>C, p.Leu1387= (NM_001318829.2); c.3774G>C, p.Leu1258= (NM_001318831.2); c.4338G>C, p.Leu1446= (NM_001318832.2); c.4308G>C, p.Leu1436= (NM_001363528.2); c.4374G>C, p.Leu1458= (NM_001370404.1); and 1 more.
Identifiers: ClinVar variation 1084667 (VCV001084667.12), dbSNP rs1555514870, ClinGen allele CA493043363.